The following is an entry in ClinVar:

ClinVar aggregate classification (germline): Uncertain significance. Review status: criteria provided, multiple submitters, no conflicts (2 of 4 stars). 2 submissions from 2 submitters: Uncertain significance (2). Last evaluated 2024-01-04.

Conditions:
Ehlers-Danlos syndrome, classic type, 1 (EDSCL1). Also called: EHLERS-DANLOS SYNDROME, GRAVIS TYPE; EHLERS-DANLOS SYNDROME, SEVERE CLASSIC TYPE; Ehlers-Danlos syndrome, type 1; EDS I; Ehlers-Danlos Syndrome, Classic Type, COL5A1-Related. Identifiers: MedGen C0268335, MONDO:0019567, OMIM 130000.

Allele frequency attached by ClinVar (database versions not stated): gnomAD exomes 0.00001.
gnomAD v4.1: 17 of 1,613,228 alleles (0.0011%); highest among the groups gnomAD compares: Non-Finnish European, 0.0014%; no homozygotes.

Submissions (2):

Labcorp Genetics (formerly Invitae), Labcorp
Classification: Uncertain significance for Ehlers-Danlos syndrome, classic type, 1. Last evaluated: 2024-01-04. Review status: criteria provided, single submitter. Criteria: Invitae Variant Classification Sherloc (09022015). Collection method: clinical testing. Allele origin: germline.
Comment: This sequence change replaces valine, which is neutral and non-polar, with alanine, which is neutral and non-polar, at codon 413 of the COL5A2 protein (p.Val413Ala). This variant is not present in population databases (gnomAD no frequency). This variant has not been reported in the literature in individuals affected with COL5A2-related conditions. ClinVar contains an entry for this variant (Variation ID: 1308550). Advanced modeling of protein sequence and biophysical properties (such as structural, functional, and spatial information, amino acid conservation, physicochemical variation, residue mobility, and thermodynamic stability) performed at Invitae indicates that this missense variant is not expected to disrupt COL5A2 protein function with a negative predictive value of 95%. In summary, the available evidence is currently insufficient to determine the role of this variant in disease. Therefore, it has been classified as a Variant of Uncertain Significance.

GeneDx
Classification: Uncertain significance. Last evaluated: 2019-03-29. Review status: criteria provided, single submitter. Criteria: GeneDx Variant Classification Process June 2021. Collection method: clinical testing. Allele origin: germline. Affected: yes.
Comment: Not observed in large population cohorts (Lek et al., 2016); In silico analysis, which includes protein predictors and evolutionary conservation, supports that this variant does not alter protein structure/function; Has not been previously published as pathogenic or benign to our knowledge; Not located in the triple helical region, where the majority of pathogenic missense variants occur (Symoens et al., 2012; Stenson et al., 2016)

NM_000393.5(COL5A2):c.1238T>C (p.Val413Ala)

Gene: COL5A2 (collagen type V alpha 2 chain; minus strand). Cytogenetic location: 2q32.2.
Variant type: single nucleotide variant.
Coding change: c.1238T>C on transcript NM_000393.5 (MANE Select); coding-DNA position 1238, T replaced by C.
Protein change: p.Val413Ala; replaces valine 413 with alanine.
Molecular consequence: missense variant.
Genome position (GRCh38, 1-based): chr2:189,068,805, A>G on the plus strand (T>C on the coding strand, the complement: COL5A2 is on the minus strand). VCF-style: chr2-189068805-A-G. GRCh37 (hg19) VCF-style: chr2-189933531-A-G.
Other names: short protein forms V413A.
Identifiers: ClinVar variation 1308550 (VCV001308550.7), dbSNP rs1430271322, ClinGen allele CA349853563.